The following is an entry in ClinVar:

NM_001018116.2(CAVIN4):c.632G>A (p.Arg211Gln)

Gene: CAVIN4 (caveolae associated protein 4; plus strand). Cytogenetic location: 9q31.1.
Variant type: single nucleotide variant.
Coding change: c.632G>A on transcript NM_001018116.2 (MANE Select); coding-DNA position 632, G replaced by A.
Protein change: p.Arg211Gln; replaces arginine 211 with glutamine.
Molecular consequence: missense variant.
Genome position (GRCh38, 1-based): chr9:100,585,988, G>A. VCF-style: chr9-100585988-G-A. GRCh37 (hg19) VCF-style: chr9-103348270-G-A.
Other names: short protein forms R211Q.
Identifiers: ClinVar variation 517166 (VCV000517166.4), dbSNP rs200590850, ClinGen allele CA5160118.

ClinVar aggregate classification (germline): Uncertain significance (1 of 4 stars; one submission).

Allele frequency attached by ClinVar (database versions not stated): ExAC 0.00001; gnomAD 0.00001; gnomAD exomes 0.00001; TOPMed 0.00002.

Submission:

Laboratory for Molecular Medicine, Mass General Brigham Personalized Medicine
Classification: Uncertain significance. Last evaluated: 2018-06-06. Review status: criteria provided, single submitter. Criteria: LMM Criteria. Collection method: clinical testing. Allele origin: germline. Observed: 2 variant alleles.
Comment: The p.Arg211Gln variant in MURC has not been previously reported in individuals with cardiomyopathy, but has been identified in 2/245846 chromosomes by the Geno me Aggregation Database (gnomAD; dbSNP rs2005908 50). Computational prediction tools and conservation analysis do not provide str ong support for or against an impact to the protein. In summary, the clinical si gnificance of the p.Arg211Gln variant is uncertain. ACMG/AMP Criteria applied: P M2.